The following is an entry in ClinVar:

NM_004463.3(FGD1):c.2777G>A (p.Cys926Tyr)

Genes: FGD1 (FYVE, RhoGEF and PH domain containing 1; minus strand), TSR2 (TSR2 ribosome maturation factor; plus strand). Cytogenetic location: Xp11.22.
Variant type: single nucleotide variant.
Coding change: c.2777G>A on transcript NM_004463.3 (MANE Select); coding-DNA position 2777, G replaced by A.
Protein change: p.Cys926Tyr; replaces cysteine 926 with tyrosine.
Molecular consequence: missense variant. On other transcripts: 3 prime UTR variant (5).
Genome position (GRCh38, 1-based): chrX:54,446,218, C>T on the plus strand (G>A on the coding strand, the complement: FGD1 is on the minus strand). VCF-style: chrX-54446218-C-T. GRCh37 (hg19) VCF-style: chrX-54472651-C-T.
Other names: c.*1668C>T (NM_001346789.2, NM_001346790.2, NM_001346791.2 and 2 more transcripts); short protein forms C926Y.
Identifiers: ClinVar variation 3897256 (VCV003897256.1).

ClinVar aggregate classification (germline): Uncertain significance (1 of 4 stars; one submission).

gnomAD v4.1: 1 of 1,211,862 alleles (0.000083%); highest among the groups gnomAD compares: East Asian, 0.003%; no homozygotes.

Submission:

GeneDx
Classification: Uncertain significance. Last evaluated: 2024-10-20. Review status: criteria provided, single submitter. Criteria: GeneDx Variant Classification Process June 2021. Collection method: clinical testing. Allele origin: germline. Affected: yes.
Comment: Not observed at significant frequency in large population cohorts (gnomAD); In silico analysis indicates that this missense variant does not alter protein structure/function; Has not been previously published as pathogenic or benign to our knowledge